The following is an entry in ClinVar:

ClinVar aggregate classification (germline): Likely benign. Review status: criteria provided, multiple submitters, no conflicts (2 of 4 stars). 2 submissions from 2 submitters: Likely benign (2). Last evaluated 2023-02-01.

Allele frequency attached by ClinVar (database versions not stated): TOPMed 0.00012; gnomAD 0.00016; ExAC 0.00018; ESP Exome Variant Server 0.00019.
gnomAD v4.1: 148 of 1,180,523 alleles (0.013%); highest among the groups gnomAD compares: Middle Eastern, 0.047%; no homozygotes.

Submissions (2):

CeGaT Center for Human Genetics Tuebingen
Classification: Likely benign. Last evaluated: 2023-02-01. Review status: criteria provided, single submitter. Criteria: CeGaT Center For Human Genetics Tuebingen Variant Classification Criteria Version 2. Collection method: clinical testing. Allele origin: germline. Affected: yes. Observed: 1 variant allele.
Comment: GDPD2: BP4, BS2

Ambry Genetics
Classification: Likely benign. Last evaluated: 2022-04-22. Review status: criteria provided, single submitter. Criteria: Ambry Variant Classification Scheme 2023. Collection method: clinical testing. Allele origin: germline.

NM_017711.4(GDPD2):c.224G>A (p.Arg75His)

Gene: GDPD2 (glycerophosphodiester phosphodiesterase domain containing 2; plus strand). Cytogenetic location: Xq13.1.
Variant type: single nucleotide variant.
Coding change: c.224G>A on transcript NM_017711.4 (MANE Select); coding-DNA position 224, G replaced by A.
Protein change: p.Arg75His; replaces arginine 75 with histidine.
Molecular consequence: missense variant. On other transcripts: 5 prime UTR variant (2).
Genome position (GRCh38, 1-based): chrX:70,425,777, G>A. VCF-style: chrX-70425777-G-A. GRCh37 (hg19) VCF-style: chrX-69645627-G-A.
Other names: c.-14G>A (NM_001171191.2, NM_001171193.2); c.224G>A, p.Arg75His (NM_001171192.2); short protein forms R75H.
Identifiers: ClinVar variation 2205044 (VCV002205044.26), dbSNP rs145392379, ClinGen allele CA10441588.